The following is an entry in ClinVar:

NM_001127208.3(TET2):c.1383G>C (p.Gln461His)

Genes: TET2 (tet methylcytosine dioxygenase 2; plus strand), TET2-AS1 (TET2 antisense RNA 1; minus strand). Cytogenetic location: 4q24.
Variant type: single nucleotide variant.
Coding change: c.1383G>C on transcript NM_001127208.3 (MANE Select); coding-DNA position 1383, G replaced by C.
Protein change: p.Gln461His; replaces glutamine 461 with histidine.
Molecular consequence: missense variant.
Genome position (GRCh38, 1-based): chr4:105,235,325, G>C. VCF-style: chr4-105235325-G-C. GRCh37 (hg19) VCF-style: chr4-106156482-G-C.
Other names: c.1383G>C, p.Gln461His (NM_017628.4); short protein forms Q461H.
Identifiers: ClinVar variation 3967506 (VCV003967506.1).

ClinVar aggregate classification (germline): Uncertain significance (1 of 4 stars; one submission).

gnomAD v4.1: 1 of 1,614,072 alleles (0.000062%); highest among the groups gnomAD compares: Non-Finnish European, 0.000085%; no homozygotes.

Submission:

Ambry Genetics
Classification: Uncertain significance. Last evaluated: 2025-03-29. Review status: criteria provided, single submitter. Criteria: Ambry Variant Classification Scheme 2023. Collection method: clinical testing. Allele origin: germline.
Comment: The p.Q461H variant (also known as c.1383G>C), located in coding exon 1 of the TET2 gene, results from a G to C substitution at nucleotide position 1383. The glutamine at codon 461 is replaced by histidine, an amino acid with highly similar properties. This amino acid position is conserved. In addition, this alteration is predicted to be tolerated by in silico analysis. Based on the available evidence, the clinical significance of this variant remains unclear.